The following continues an entry in ClinVar:

NM_019098.5(CNGB3):c.1148del (p.Thr383fs)

Gene: CNGB3. ClinVar aggregate classification (germline): Pathogenic/Likely pathogenic. Pathogenic (34); Likely pathogenic (1).

Submissions 15 to 31 of 56:

Ophthalmic Genetics Group, Institute of Molecular and Clinical Ophthalmology Basel
Classification: Pathogenic for Achromatopsia. Last evaluated: 2023-07-24. Review status: criteria provided, single submitter. Criteria: ACMG Guidelines, 2015. Collection method: research. Allele origin: germline. Affected: yes. Observed: 3 variant alleles.
Comment: Clinical significance based on ACMG v2.0

This variant was classified as Pathogenic based on ACMG criteria: PVS1, PM2, PS4, PP5.

Department of Pathology and Laboratory Medicine, Sinai Health System
Classification: Pathogenic for Achromatopsia 3. Last evaluated: 2023-07-18. Review status: criteria provided, single submitter. Criteria: ACMG Guidelines, 2015. Collection method: research. Allele origin: germline.

Women's Health and Genetics/Laboratory Corporation of America, LabCorp
Classification: Pathogenic for Achromatopsia 3. Last evaluated: 2023-02-20. Review status: criteria provided, single submitter. Criteria: LabCorp Variant Classification Summary - May 2015. Collection method: clinical testing. Allele origin: germline.
Comment: Variant summary: CNGB3 c.1148delC (p.Thr383IlefsX13) results in a premature termination codon, predicted to cause a truncation of the encoded protein or absence of the protein due to nonsense mediated decay, which are commonly known mechanisms for disease. This variant is a commonly known pathogenic variant. The variant allele was found at a frequency of 0.0017 in 250592 control chromosomes in the gnomAD database, including 2 homozygotes. c.1148delC has been reported in the literature in multiple individuals affected with Achromatopsia (eg. Michaelides_2004, Thiadens_2009, etc). 24 clinical diagnostic laboratories have submitted clinical-significance assessments for this variant to ClinVar after 2014 without evidence for independent evaluation. All labs classified the variant as pathogenic/likely pathogenic. Based on the evidence outlined above, the variant was classified as pathogenic.

Clinical Genetics Laboratory, Skane University Hospital Lund
Classification: Pathogenic. Last evaluated: 2022-08-05. Review status: criteria provided, single submitter. Criteria: ACMG Guidelines, 2015. Collection method: clinical testing. Allele origin: germline. Affected: yes.

Victorian Clinical Genetics Services, Murdoch Childrens Research Institute
Classification: Pathogenic for Achromatopsia 3. Last evaluated: 2022-03-31. Review status: criteria provided, single submitter. Criteria: ACMG Guidelines, 2015. Collection method: clinical testing. Allele origin: germline. Inheritance: Autosomal recessive inheritance. Affected: yes.
Comment: Based on the classification scheme VCGS_Germline_v1.3.4, this variant is classified as Pathogenic. Following criteria are met: 0103 - Loss of function and gain of function are known mechanisms of disease in this gene and are associated with achromatopsia 3 (MIM#262300) (PMIDs: 16379026, 23805033). (I) 0106 - This gene is associated with autosomal recessive disease. (I) 0201 - Variant is predicted to cause nonsense-mediated decay (NMD) and loss of protein (premature termination codon is located at least 54 nucleotides upstream of the final exon-exon junction). (SP) 0251 - This variant is heterozygous. (I) 0304 - Variant is present in gnomAD (v2) <0.01 for a recessive condition (489 heterozygotes, 2 homozygotes). The high prevalence of this variant is due to a founder effect in European populations (PMID: 17265047). (SP) 0701 - Other NMD predicted variants comparable to the one identified in this case have very strong previous evidence for pathogenicity (DECIPHER). (SP) 0801 - This variant has strong previous evidence of pathogenicity in unrelated individuals. This variant has been observed in many individuals with achromatopsia in both homozygous and compound heterozygous states, and is thought to account for over 70% of all CNGB3-related achromatopsia cases (ClinVar, PMIDs: 25770143, 17265047). (SP) 1206 - This variant has been shown to be paternally inherited in a research setting. (I) Legend: (SP) - Supporting pathogenic, (I) - Information, (SB) - Supporting benign

Ambry Genetics
Classification: Pathogenic for Inborn genetic diseases. Last evaluated: 2022-02-16. Review status: criteria provided, single submitter. Criteria: Ambry Variant Classification Scheme 2023. Collection method: clinical testing. Allele origin: germline.
Comment: The c.1148delC (p.T383Ifs*13) alteration, located in exon 10 (coding exon 10) of the CNGB3 gene, consists of a deletion of one nucleotide at position 1148, causing a translational frameshift with a predicted alternate stop codon after 13 amino acids. This alteration is expected to result in loss of function by premature protein truncation or nonsense-mediated mRNA decay. Based on data from gnomAD, this alteration has an overall frequency of 0.18% (493/281708) total alleles studied. The highest observed frequency was 0.28% (71/25066) of European (Finnish) alleles. This is a common, recurrent mutation identified in multiple unrelated patients with achromatopsia in both the homozygous and compound heterozygous state (Sundin, 2000; Kohl, 2005; Wiszniewski, 2007; Mayer, 2017). The nucleotide position is prone to deletion and represents a mutational hotspot (Kohl, 2000). Based on the available evidence, this alteration is classified as pathogenic.

GeneDx
Classification: Pathogenic. Last evaluated: 2022-01-31. Review status: criteria provided, single submitter. Criteria: GeneDx Variant Classification Process June 2021. Collection method: clinical testing. Allele origin: germline. Affected: yes.
Comment: Frameshift variant predicted to result in protein truncation or nonsense mediated decay in a gene for which loss-of-function is a known mechanism of disease; Published functional studies demonstrate that if a truncated CNGB3 protein is produced, then the resultant CNG channel complex leads to abnormal cone photoreceptor function (Peng et al., 2003; Liu et al., 2013); This variant is associated with the following publications: (PMID: 15657609, 17265047, 28041643, 22975760, 12815043, 16379026, 23805033, 20079539, 10888875, 28929832, 28341476, 29053603, 28746191, 29769798, 30609409, 30337596, 30190494, 30718709, 30418171, 31980526, 32036094, 32581362, 33546218, 32860008, 15712225, 28166811, 14757870, 34426522, 33851411, 32531858, 33562422, 33737949, 32037395)

AURAGEN, Plan France Médecine Génomique
Classification: Pathogenic for Retinal disorder. Last evaluated: 2022-01-24. Review status: criteria provided, single submitter. Criteria: PFMG2025 (Lancet Reg Health Eur. 2025). Collection method: clinical testing. Allele origin: germline. Affected: yes.

Institute of Human Genetics, Univ. Regensburg, Univ. Regensburg
Classification: Pathogenic for Optic atrophy. Last evaluated: 2022-01-01. Review status: criteria provided, single submitter. Criteria: ACMG Guidelines, 2015. Collection method: clinical testing. Allele origin: germline. Affected: yes.

Institute of Human Genetics, Univ. Regensburg, Univ. Regensburg
Classification: Pathogenic for Retinal dystrophy. Last evaluated: 2022-01-01. Review status: criteria provided, single submitter. Criteria: ACMG Guidelines, 2015. Collection method: clinical testing. Allele origin: germline. Affected: yes.

Institute of Medical Molecular Genetics, University of Zurich
Classification: Likely pathogenic for Achromatopsia 3. Last evaluated: 2021-01-30. Review status: criteria provided, single submitter. Criteria: ACMG Guidelines, 2015. Collection method: clinical testing. Allele origin: unknown. Affected: yes.

Institute of Medical Genetics and Applied Genomics, University Hospital Tübingen
Classification: Pathogenic. Last evaluated: 2020-10-23. Review status: criteria provided, single submitter. Criteria: ACMG Guidelines, 2015. Collection method: clinical testing. Allele origin: germline. Inheritance: Unknown mechanism. Affected: yes.

Institute of Human Genetics, University of Leipzig Medical Center
Classification: Pathogenic for Achromatopsia 3. Last evaluated: 2019-09-24. Review status: criteria provided, single submitter. Criteria: ACMG Guidelines, 2015. Collection method: clinical testing. Allele origin: germline. Affected: yes. Observed: 1 variant allele.
Comment: This variant was identified as homozygous

Ocular Genomics Institute, Massachusetts Eye and Ear
Classification: Pathogenic for achromatopsia 3. Last evaluated: 2019-09-18. Review status: criteria provided, single submitter. Criteria: ACMG Guidelines, 2015. Collection method: research. Allele origin: germline. Affected: yes.

Illumina Laboratory Services, Illumina
Classification: Pathogenic for CNGB3-Related Disorders. Last evaluated: 2018-05-07. Review status: criteria provided, single submitter. Criteria: ICSL Variant Classification Criteria 09 May 2019. Collection method: clinical testing. Allele origin: germline.
Comment: The CNGB3 c.1148delC (p.Thr383IlefsTer13) variant results in a frameshift and is predicted to result in a premature termination of the protein. The p.Thr383IlefsTer13 variant has not been reported in the literature in individuals with Stargardt disease but is described as the most common pathogenic variant accounting for over 70% of all CNGB3 disease-causing alleles and approximately 40% of all achromatopsia-associated alleles (Wiszniewski et al 2007; Aboshiha et al. 2016). Across a selection of the available literature the p.Thr383IlefsTer13 variant is found in a total of 406 patients including 112 in a homozygous state, 41 in a compound heterozygous state, and eight in a heterozygous state (Sundin et al. 2000; Nishiguchi et al. 2005; Kohl et al. 2005; Wiszniewski et al. 2007). The p.Thr383IlefsTer13 variant showed segregation with disease. The variant was absent from 146 controls but is reported at a frequency of 0.00339 in the European American population of the Exome Sequencing Project. Wiszniewski et al. (2007) used haplotype analysis to demonstrate a founder effect among individuals of European ancestry for the variant thus explaining the high frequency. Functional studies showed that the p.Thr383IlefsTer13 variant resulted in a gain-of-function with enhanced channel activity and an increased sensitivity to cell death compared to wild type (Bright et al. 2005; Liu et al. 2013). Expression studies in Xenopus oocytes demonstrated that the p.Thr383IlefsTer13 variant failed to produce a CNGB3 subunit sufficient for normal cone photoreceptor function, and is essentially a null variant (Peng et al. 2003). Due to the potential impact of frameshift variants and the collective evidence from the literature, the p.Thr383IlefsTer13 variant is classified as a pathogenic variant for CNGB3-related disorders. This variant was observed by ICSL as part of a predisposition screen in an ostensibly healthy population.

Molecular Genetics Laboratory, Institute for Ophthalmic Research
Classification: Pathogenic for Achromatopsia. Last evaluated: 2018-03-20. Review status: criteria provided, single submitter. Criteria: ACMG Guidelines, 2015. Collection method: research. Allele origin: germline. Affected: yes.

Eurofins Ntd Llc (ga)
Classification: Pathogenic. Last evaluated: 2017-02-05. Review status: criteria provided, single submitter. Criteria: EGL Classification Definitions. Collection method: clinical testing. Allele origin: germline. Observed: 11 variant alleles, 7 heterozygotes, 4 homozygotes.